The following is an entry in ClinVar:

ClinVar aggregate classification (germline): Uncertain significance (1 of 4 stars; one submission).

Conditions:
Hereditary cancer-predisposing syndrome. Also called: Neoplastic Syndromes, Hereditary; Tumor predisposition; Hereditary Cancer Syndrome; Hereditary neoplastic syndrome. Identifiers: Orphanet 140162, MedGen C0027672, MeSH D009386, MONDO:0015356.

gnomAD v4.1: 5 of 1,613,954 alleles (0.00031%); highest among the groups gnomAD compares: African/African-American, 0.004%; no homozygotes.

Submission:

Ambry Genetics
Classification: Uncertain significance for Hereditary cancer-predisposing syndrome. Last evaluated: 2025-10-21. Review status: criteria provided, single submitter. Criteria: Ambry Variant Classification Scheme 2023. Collection method: clinical testing. Allele origin: germline.
Comment: The p.V688M variant (also known as c.2062G>A), located in coding exon 14 of the CTNNA1 gene, results from a G to A substitution at nucleotide position 2062. The valine at codon 688 is replaced by methionine, an amino acid with highly similar properties. This amino acid position is conserved. In addition, the in silico prediction for this alteration is inconclusive. Based on the available evidence, the clinical significance of this variant remains unclear.

NM_001903.5(CTNNA1):c.2062G>A (p.Val688Met)

Gene: CTNNA1 (catenin alpha 1; plus strand). Cytogenetic location: 5q31.2.
Variant type: single nucleotide variant.
Coding change: c.2062G>A on transcript NM_001903.5 (MANE Select); coding-DNA position 2062, G replaced by A.
Protein change: p.Val688Met; replaces valine 688 with methionine.
Molecular consequence: missense variant.
Genome position (GRCh38, 1-based): chr5:138,930,524, G>A. VCF-style: chr5-138930524-G-A. GRCh37 (hg19) VCF-style: chr5-138266213-G-A.
Other names: c.2062G>A, p.Val688Met (NM_001290307.3, NM_001323982.2, NM_001323983.1 and 2 more transcripts); c.1753G>A, p.Val585Met (NM_001290309.3); c.1693G>A, p.Val565Met (NM_001290310.3); c.952G>A, p.Val318Met (NM_001290312.1, NM_001323987.1, NM_001323988.1 and 17 more transcripts); c.1969G>A, p.Val657Met (NM_001323986.2); c.613G>A, p.Val205Met (NM_001324006.1, NM_001324007.1, NM_001324008.1 and 2 more transcripts); c.859G>A, p.Val287Met (NM_001324011.1); c.709G>A, p.Val237Met (NM_001324012.1, NM_001324013.1); short protein forms V565M, V585M, V688M, V205M, V237M, V657M, V318M, V287M.
Identifiers: ClinVar variation 4635459 (VCV004635459.1).
Genomic context (GRCh38, chr5:138,930,524, plus strand): 5'-TGATCACAGGCGATCATGGCTCAGCTTCCCCAGGAGCAAAAAGCGAAGATTGCGGAACAG[G>A]TGGCCAGCTTCCAGGAAGAAAAGAGCAAGCTGGATGCTGAAGTGTCCAAATGGGACGACA-3'
Protein context (NP_001894.2, residues 678-698): QEQKAKIAEQ[Val688Met]ASFQEEKSKL